The following is an entry in ClinVar:

ClinVar aggregate classification (germline): Pathogenic (1 of 4 stars; one submission).

Conditions:
Hereditary spastic paraplegia 7 (SPG7). Also called: Autosomal recessive spastic paraplegia type 7; SPASTIC PARAPLEGIA 7, AUTOSOMAL RECESSIVE, WITH OR WITHOUT CEREBELLAR ATAXIA; Spastic paraplegia 7; Hereditary spastic paraplegia Paraplegin type; SPG7-related neurologic disorder. Identifiers: Orphanet 99013, MedGen C1846564, MONDO:0011803, OMIM 607259.

Submission:

Labcorp Genetics (formerly Invitae), Labcorp
Classification: Pathogenic for Hereditary spastic paraplegia 7. Last evaluated: 2023-09-17. Review status: criteria provided, single submitter. Criteria: Invitae Variant Classification Sherloc (09022015). Collection method: clinical testing. Allele origin: unknown.
Comment: For these reasons, this variant has been classified as Pathogenic. This variant disrupts a region of the SPG7 protein in which other variant(s) (p.Val311Glu) have been determined to be pathogenic (Invitae). This suggests that this is a clinically significant region of the protein, and that variants that disrupt it are likely to be disease-causing. A similar copy number variant has been observed in individuals with clinical features of autosomal recessive SPG7-related conditions (PMID: 30533525; Invitae). This variant is a gross deletion of the genomic region encompassing exon(s) 4-9 of the SPG7 gene. This variant would be expected to be in-frame, preserving the integrity of the reading frame.

Literature cited by the submitters: PubMed 30533525.

NC_000016.9:g.(?_89590394)_(89599064_?)del

Gene: SPG7 (SPG7 matrix AAA peptidase subunit, paraplegin; plus strand). Cytogenetic location: 16q24.3.
Variant type: Deletion.
Identifiers: ClinVar variation 3243428 (VCV003243428.1).